The following is an entry in ClinVar:

ClinVar aggregate classification (germline): Uncertain significance (1 of 4 stars; one submission).

Allele frequency attached by ClinVar (database versions not stated): ExAC 0.00002; gnomAD exomes 0.00003 and 0.00006; TOPMed 0.00004; gnomAD 0.00005; ESP Exome Variant Server 0.00008.
gnomAD v4.1: 92 of 1,614,006 alleles (0.0057%); highest among the groups gnomAD compares: Non-Finnish European, 0.0071%; no homozygotes.

Submission:

Labcorp Genetics (formerly Invitae), Labcorp
Classification: Uncertain significance. Last evaluated: 2025-11-11. Review status: criteria provided, single submitter. Criteria: Invitae Variant Classification Sherloc (09022015). Collection method: clinical testing. Allele origin: germline.
Comment: This sequence change replaces methionine, which is neutral and non-polar, with valine, which is neutral and non-polar, at codon 750 of the SKIV2L protein (p.Met750Val). This variant is present in population databases (rs141560712, gnomAD 0.006%). This variant has not been reported in the literature in individuals affected with SKIV2L-related conditions. ClinVar contains an entry for this variant (Variation ID: 1520048). An algorithm developed to predict the effect of missense changes on protein structure and function (PolyPhen-2) suggests that this variant is likely to be disruptive. In summary, the available evidence is currently insufficient to determine the role of this variant in disease. Therefore, it has been classified as a Variant of Uncertain Significance.

NM_006929.5(SKIC2):c.2248A>G (p.Met750Val)

Gene: SKIC2 (SKI2 subunit of superkiller complex; plus strand). Cytogenetic location: 6p21.33.
Variant type: single nucleotide variant.
Coding change: c.2248A>G on transcript NM_006929.5 (MANE Select); coding-DNA position 2248, A replaced by G.
Protein change: p.Met750Val; replaces methionine 750 with valine.
Molecular consequence: missense variant.
Genome position (GRCh38, 1-based): chr6:31,966,754, A>G. VCF-style: chr6-31966754-A-G. GRCh37 (hg19) VCF-style: chr6-31934531-A-G.
Other names: short protein forms M750V.
Identifiers: ClinVar variation 1520048 (VCV001520048.6), dbSNP rs141560712, ClinGen allele CA3729723.